The following is an entry in ClinVar:

NM_001458.5(FLNC):c.1175C>A (p.Ala392Asp)

Gene: FLNC (filamin C; plus strand). Cytogenetic location: 7q32.1.
Variant type: single nucleotide variant.
Coding change: c.1175C>A on transcript NM_001458.5 (MANE Select); coding-DNA position 1175, C replaced by A.
Protein change: p.Ala392Asp; replaces alanine 392 with aspartic acid.
Molecular consequence: missense variant.
Genome position (GRCh38, 1-based): chr7:128,838,394, C>A. VCF-style: chr7-128838394-C-A. GRCh37 (hg19) VCF-style: chr7-128478448-C-A.
Other names: c.1175C>A (NM_001458.4); c.1175C>A, p.Ala392Asp (NM_001127487.2); short protein forms A392D.
Identifiers: ClinVar variation 1521284 (VCV001521284.11), dbSNP rs1808189981, ClinGen allele CA369224260.

ClinVar aggregate classification (germline): Uncertain significance. Review status: criteria provided, multiple submitters, no conflicts (2 of 4 stars). 5 submissions from 5 submitters: Uncertain significance (5). Last evaluated 2025-09-01.

Conditions:
FLNC-related disorder. Also called: FLNC-related condition; FLNC-related disorders.
Hypertrophic cardiomyopathy 26. Also called: Cardiomyopathy, familial hypertrophic, 26. Identifiers: Orphanet 75249, MedGen C4310749, MONDO:0014883, OMIM 617047.
Distal myopathy with posterior leg and anterior hand involvement. Also called: WILLIAMS DISTAL MYOPATHY. Identifiers: Orphanet 63273, MedGen C3279722, MONDO:0013550, OMIM 614065.
Myofibrillar myopathy 5. Also called: Filaminopathy (type); FILAMINOPATHY, AUTOSOMAL DOMINANT. Identifiers: Orphanet 171445, MedGen C1836050, MONDO:0012289, OMIM 609524.
Cardiovascular phenotype. Identifiers: MedGen CN230736.

Allele frequency attached by ClinVar (database versions not stated): TOPMed below 0.00001; gnomAD exomes 0.00001.
gnomAD v4.1: 10 of 1,612,542 alleles (0.00062%); highest among the groups gnomAD compares: Non-Finnish European, 0.00085%; no homozygotes.

Submissions (5):

PreventionGenetics, part of Exact Sciences
Classification: Uncertain significance for FLNC-related condition. Last evaluated: 2025-09-01. Review status: criteria provided, single submitter. Criteria: ACMG Guidelines, 2015. Collection method: clinical testing. Allele origin: germline.
Comment: The FLNC c.1175C>A variant is predicted to result in the amino acid substitution p.Ala392Asp. To our knowledge, this variant has not been reported in the literature or in a large population database (gnomAD), indicating this variant is rare. At this time, the clinical significance of this variant is uncertain due to the absence of conclusive functional and genetic evidence.

GeneDx
Classification: Uncertain significance. Last evaluated: 2025-04-03. Review status: criteria provided, single submitter. Criteria: GeneDx Variant Classification Process June 2021. Collection method: clinical testing. Allele origin: germline. Affected: yes.
Comment: Not observed at significant frequency in large population cohorts (gnomAD); In silico analysis supports that this missense variant has a deleterious effect on protein structure/function; Has not been previously published as pathogenic or benign to our knowledge

Labcorp Genetics (formerly Invitae), Labcorp
Classification: Uncertain significance for Distal myopathy with posterior leg and anterior hand involvement; Myofibrillar myopathy 5; Hypertrophic cardiomyopathy 26. Last evaluated: 2024-11-17. Review status: criteria provided, single submitter. Criteria: Invitae Variant Classification Sherloc (09022015). Collection method: clinical testing. Allele origin: germline.
Comment: This sequence change replaces alanine, which is neutral and non-polar, with aspartic acid, which is acidic and polar, at codon 392 of the FLNC protein (p.Ala392Asp). This variant is not present in population databases (gnomAD no frequency). This variant has not been reported in the literature in individuals affected with FLNC-related conditions. ClinVar contains an entry for this variant (Variation ID: 1521284). Invitae Evidence Modeling of protein sequence and biophysical properties (such as structural, functional, and spatial information, amino acid conservation, physicochemical variation, residue mobility, and thermodynamic stability) has been performed for this missense variant. However, the output from this modeling did not meet the statistical confidence thresholds required to predict the impact of this variant on FLNC protein function. In summary, the available evidence is currently insufficient to determine the role of this variant in disease. Therefore, it has been classified as a Variant of Uncertain Significance.

Ambry Genetics
Classification: Uncertain significance for Cardiovascular phenotype. Last evaluated: 2022-10-12. Review status: criteria provided, single submitter. Criteria: Ambry Variant Classification Scheme 2023. Collection method: clinical testing. Allele origin: germline.

Revvity Omics, Revvity
Classification: Uncertain significance. Last evaluated: 2019-08-06. Review status: criteria provided, single submitter. Criteria: ACMG Guidelines, 2015. Collection method: clinical testing. Allele origin: germline.